The following is an entry in ClinVar:

NM_006648.4(WNK2):c.2638G>T (p.Ala880Ser)

Gene: WNK2 (WNK lysine deficient protein kinase 2; plus strand). Cytogenetic location: 9q22.31.
Variant type: single nucleotide variant.
Coding change: c.2638G>T on transcript NM_006648.4 (MANE Select); coding-DNA position 2638, G replaced by T.
Protein change: p.Ala880Ser; replaces alanine 880 with serine.
Molecular consequence: missense variant.
Genome position (GRCh38, 1-based): chr9:93,259,186, G>T. VCF-style: chr9-93259186-G-T. GRCh37 (hg19) VCF-style: chr9-96021468-G-T.
Other names: c.2638G>T, p.Ala880Ser (NM_001282394.3); short protein forms A880S.
Identifiers: ClinVar variation 3982117 (VCV003982117.1).

ClinVar aggregate classification (germline): Uncertain significance (1 of 4 stars; one submission).

Submission:

Ambry Genetics
Classification: Uncertain significance. Last evaluated: 2025-05-25. Review status: criteria provided, single submitter. Criteria: Ambry Variant Classification Scheme 2023. Collection method: clinical testing. Allele origin: germline.
Comment: The p.A880S variant (also known as c.2638G>T), located in coding exon 11 of the WNK2 gene, results from a G to T substitution at nucleotide position 2638. The alanine at codon 880 is replaced by serine, an amino acid with similar properties. This amino acid position is conserved. In addition, this alteration is predicted to be tolerated by in silico analysis. Based on the available evidence, the clinical significance of this variant remains unclear.